The following is an entry in ClinVar:

NM_002227.4(JAK1):c.2303A>G (p.Lys768Arg)

Gene: JAK1 (Janus kinase 1; minus strand). Cytogenetic location: 1p31.3.
Variant type: single nucleotide variant.
Coding change: c.2303A>G on transcript NM_002227.4 (MANE Select); coding-DNA position 2303, A replaced by G.
Protein change: p.Lys768Arg; replaces lysine 768 with arginine.
Molecular consequence: missense variant.
Genome position (GRCh38, 1-based): chr1:64,844,164, T>C on the plus strand (A>G on the coding strand, the complement: JAK1 is on the minus strand). VCF-style: chr1-64844164-T-C. GRCh37 (hg19) VCF-style: chr1-65309847-T-C.
Other names: c.2303A>G, p.Lys768Arg (NM_001320923.2, NM_001321852.2, NM_001321853.2 and 3 more transcripts); c.2300A>G, p.Lys767Arg (NM_001321857.2); short protein forms K768R, K767R.
Identifiers: ClinVar variation 1503309 (VCV001503309.8), dbSNP rs1384989338, ClinGen allele CA340666732.
Genomic context (GRCh38, chr1:64,844,164, plus strand): 5'-TAGCAGATTTCCCAGAGCGTGGTTCCAAAGCTCCACTTGTCAGCAGCCACACTCAGGTTC[T>C]TGGAGTCCTCAACACACTCAGGAGCAATCCATGGGATTCGTTCAATGCATTCTGGAAGAC-3'
Protein context (NP_002218.2, residues 758-778): WIAPECVEDS[Lys768Arg]NLSVAADKWS

ClinVar aggregate classification (germline): Uncertain significance (1 of 4 stars; one submission).

Allele frequency attached by ClinVar (database versions not stated): gnomAD exomes below 0.00001; TOPMed below 0.00001.
gnomAD v4.1: 3 of 1,614,236 alleles (0.00019%); highest among the groups gnomAD compares: East Asian, 0.0022%; no homozygotes.

Submission:

Labcorp Genetics (formerly Invitae), Labcorp
Classification: Uncertain significance. Last evaluated: 2022-02-04. Review status: criteria provided, single submitter. Criteria: Invitae Variant Classification Sherloc (09022015). Collection method: clinical testing. Allele origin: germline.
Comment: This sequence change replaces lysine, which is basic and polar, with arginine, which is basic and polar, at codon 768 of the JAK1 protein (p.Lys768Arg). This variant is not present in population databases (gnomAD no frequency). This variant has not been reported in the literature in individuals affected with JAK1-related conditions. In summary, the available evidence is currently insufficient to determine the role of this variant in disease. Therefore, it has been classified as a Variant of Uncertain Significance. Algorithms developed to predict the effect of missense changes on protein structure and function are either unavailable or do not agree on the potential impact of this missense change (SIFT: "Not Available"; PolyPhen-2: "Benign"; Align-GVGD: "Not Available").